The following is an entry in ClinVar:

NM_017947.4(MOCOS):c.2107C>A (p.His703Asn)

Gene: MOCOS (molybdenum cofactor sulfurase; plus strand). Cytogenetic location: 18q12.2.
Variant type: single nucleotide variant.
Coding change: c.2107C>A on transcript NM_017947.4 (MANE Select); coding-DNA position 2107, C replaced by A.
Protein change: p.His703Asn; replaces histidine 703 with asparagine.
Molecular consequence: missense variant.
Genome position (GRCh38, 1-based): chr18:36,251,226, C>A. VCF-style: chr18-36251226-C-A. GRCh37 (hg19) VCF-style: chr18-33831189-C-A.
Other names: p.His703Asn; short protein forms H703N.
Identifiers: ClinVar variation 1167883 (VCV001167883.15), dbSNP rs594445, ClinGen allele CA8940953.

ClinVar aggregate classification (germline): Benign. Review status: criteria provided, multiple submitters, no conflicts (2 of 4 stars). 5 submissions from 5 submitters: Benign (5). Last evaluated 2026-02-04.

Conditions:
Xanthinuria type II. Also called: Xanthine dehydrogenase and aldehyde oxidase combined deficiency of; XDH and AOX dual deficiency. Identifiers: Orphanet 3467, Orphanet 93602, MedGen C1863688, MONDO:0011346, OMIM 603592.

Allele frequency attached by ClinVar (database versions not stated): ESP Exome Variant Server 0.21890; 1000 Genomes Project 30x 0.22080; 1000 Genomes Project 0.22284; gnomAD 0.22874 and 0.23222; TOPMed 0.23048; ExAC 0.26944; gnomAD exomes 0.27580 and 0.28252.
gnomAD v4.1: 447,986 of 1,613,574 alleles (28%); highest among the groups gnomAD compares: Admixed American, 33%; 64,313 homozygotes.

Submissions (8):

Labcorp Genetics (formerly Invitae), Labcorp
Classification: Benign for Xanthinuria type II. Last evaluated: 2026-02-04. Review status: criteria provided, single submitter. Criteria: Invitae Variant Classification Sherloc (09022015). Collection method: clinical testing. Allele origin: germline.

Blueprint Genetics
Classification: Benign. Last evaluated: 2024-11-28. Review status: criteria provided, single submitter. Criteria: ACMG Guidelines, 2015. Collection method: clinical testing. Allele origin: germline.

Mayo Clinic Laboratories, Mayo Clinic
Classification: Benign. Last evaluated: 2022-10-04. Review status: criteria provided, single submitter. Criteria: ACMG Guidelines, 2015. Collection method: clinical testing. Allele origin: germline. Observed: 79 variant alleles.
Comment: BS1, BS2, BP4

GeneDx
Classification: Benign. Last evaluated: 2018-11-12. Review status: criteria provided, single submitter. Criteria: GeneDx Variant Classification Process June 2021. Collection method: clinical testing. Allele origin: germline. Affected: yes.
Comment: This variant is associated with the following publications: (PMID: 27703193)

Breakthrough Genomics
Classification: Benign. Review status: criteria provided, single submitter. Criteria: ACMG Guidelines, 2015. Collection method: not provided. Allele origin: germline. Inheritance: Autosomal recessive inheritance. Affected: yes.

Dr. Peter K. Rogan Lab, Western University
No classification provided (evidence only). Condition: Malignant lymphoma, large B-cell, diffuse. Review status: no classification provided. Collection method: in vitro. Allele origin: not applicable. Functional consequence: retained intron. Not counted in ClinVar's aggregate classification.

Dr. Peter K. Rogan Lab, Western University
No classification provided (evidence only). Condition: Malignant lymphoma, large B-cell, diffuse. Review status: no classification provided. Collection method: in vitro. Allele origin: not applicable. Functional consequence: retained intron. Not counted in ClinVar's aggregate classification.

Dr. Peter K. Rogan Lab, Western University
No classification provided (evidence only). Condition: Malignant lymphoma, large B-cell, diffuse. Review status: no classification provided. Collection method: in vitro. Allele origin: not applicable. Functional consequence: retained intron. Not counted in ClinVar's aggregate classification.